The following is an entry in ClinVar:

NM_001267550.2(TTN):c.62097A>G (p.Pro20699=)

Genes: TTN (titin; minus strand), TTN-AS1 (TTN antisense RNA 1; plus strand). Cytogenetic location: 2q31.2.
Variant type: single nucleotide variant.
Coding change: c.62097A>G on transcript NM_001267550.2 (MANE Select); coding-DNA position 62097, A replaced by G.
Protein change: p.Pro20699=; no amino-acid change (proline 20699 retained).
Molecular consequence: synonymous variant.
Genome position (GRCh38, 1-based): chr2:178,589,628, T>C on the plus strand (A>G on the coding strand, the complement: TTN is on the minus strand). VCF-style: chr2-178589628-T-C. GRCh37 (hg19) VCF-style: chr2-179454355-T-C.
Other names: c.57174A>G, p.Pro19058= (NM_001256850.1); c.34902A>G, p.Pro11634= (NM_003319.4); c.54393A>G, p.Pro18131= (NM_133378.4); c.35277A>G, p.Pro11759= (NM_133432.3); c.35478A>G, p.Pro11826= (NM_133437.4).
Identifiers: ClinVar variation 594366 (VCV000594366.45), dbSNP rs774995592, ClinGen allele CA1992271.

ClinVar aggregate classification (germline): Conflicting classifications of pathogenicity. Review status: criteria provided, conflicting classifications (1 of 4 stars). 7 submissions from 7 submitters: Uncertain significance (2); Likely benign (3). 2 of the submissions do not count toward it. Last evaluated 2026-04-09.

Conditions:
Cardiovascular phenotype. Identifiers: MedGen CN230736.
Autosomal recessive limb-girdle muscular dystrophy type 2J (LGMDR10). Also called: MUSCULAR DYSTROPHY, LIMB-GIRDLE, AUTOSOMAL RECESSIVE 10; Limb-girdle muscular dystrophy, type 2J. Identifiers: Orphanet 140922, MedGen C1837342, MONDO:0012127, OMIM 608807.
Dilated cardiomyopathy 1G (CMD1G). Identifiers: Orphanet 154, MedGen C1858763, MONDO:0011400, OMIM 604145.

Allele frequency attached by ClinVar (database versions not stated): ExAC 0.00001; TOPMed 0.00001; gnomAD exomes 0.00002; gnomAD 0.00003 and 0.00004.
gnomAD v4.1: 16 of 1,613,234 alleles (0.00099%); highest among the groups gnomAD compares: Non-Finnish European, 0.0014%; no homozygotes.

Submissions (7):

Ambry Genetics
Classification: Likely benign for Cardiovascular phenotype. Last evaluated: 2026-04-09. Review status: criteria provided, single submitter. Criteria: Ambry Variant Classification Scheme 2023. Collection method: clinical testing. Allele origin: germline.

Labcorp Genetics (formerly Invitae), Labcorp
Classification: Likely benign for Dilated cardiomyopathy 1G; Autosomal recessive limb-girdle muscular dystrophy type 2J. Last evaluated: 2026-02-02. Review status: criteria provided, single submitter. Criteria: Invitae Variant Classification Sherloc (09022015). Collection method: clinical testing. Allele origin: germline.

CeGaT Center for Human Genetics Tuebingen
Classification: Likely benign. Last evaluated: 2023-08-01. Review status: criteria provided, single submitter. Criteria: CeGaT Center For Human Genetics Tuebingen Variant Classification Criteria Version 2. Collection method: clinical testing. Allele origin: germline. Affected: yes. Observed: 1 variant allele.
Comment: TTN: BP4, BP7

Revvity Omics, Revvity
Classification: Uncertain significance. Last evaluated: 2019-10-08. Review status: criteria provided, single submitter. Criteria: ACMG Guidelines, 2015. Collection method: clinical testing. Allele origin: germline.

Eurofins Ntd Llc (ga)
Classification: Uncertain significance. Last evaluated: 2017-10-04. Review status: criteria provided, single submitter. Criteria: EGL Classification Definitions 2015. Collection method: clinical testing. Allele origin: germline. Observed: 1 variant allele, 1 heterozygote.

Clinical Genetics DNA and cytogenetics Diagnostics Lab, Erasmus MC, Erasmus Medical Center
Classification: Likely benign. Review status: no assertion criteria provided. Collection method: clinical testing. Allele origin: germline. Affected: yes. Study: VKGL Data-share Consensus. Not counted in ClinVar's aggregate classification.

Diagnostic Laboratory, Department of Genetics, University Medical Center Groningen
Classification: Likely benign. Review status: no assertion criteria provided. Collection method: clinical testing. Allele origin: germline. Affected: yes. Study: VKGL Data-share Consensus. Not counted in ClinVar's aggregate classification.